The following is an entry in ClinVar:

ClinVar aggregate classification (germline): Uncertain significance (1 of 4 stars; one submission).

gnomAD v4.1: 1 of 1,551,468 alleles (0.000064%); highest among the groups gnomAD compares: Admixed American, 0.002%; no homozygotes.

Submission:

Labcorp Genetics (formerly Invitae), Labcorp
Classification: Uncertain significance. Last evaluated: 2024-10-24. Review status: criteria provided, single submitter. Criteria: Invitae Variant Classification Sherloc (09022015). Collection method: clinical testing. Allele origin: germline.
Comment: This sequence change replaces phenylalanine, which is neutral and non-polar, with cysteine, which is neutral and slightly polar, at codon 1369 of the TOP2B protein (p.Phe1369Cys). This variant is not present in population databases (gnomAD no frequency). This variant has not been reported in the literature in individuals affected with TOP2B-related conditions. An algorithm developed to predict the effect of missense changes on protein structure and function (PolyPhen-2) suggests that this variant is likely to be disruptive. In summary, the available evidence is currently insufficient to determine the role of this variant in disease. Therefore, it has been classified as a Variant of Uncertain Significance.

NM_001330700.2(TOP2B):c.4121T>G (p.Phe1374Cys)

Gene: TOP2B (DNA topoisomerase II beta; minus strand). Cytogenetic location: 3p24.2.
Variant type: single nucleotide variant.
Coding change: c.4121T>G on transcript NM_001330700.2 (MANE Select); coding-DNA position 4121, T replaced by G.
Protein change: p.Phe1374Cys; replaces phenylalanine 1374 with cysteine.
Molecular consequence: missense variant.
Genome position (GRCh38, 1-based): chr3:25,607,348, A>C on the plus strand (T>G on the coding strand, the complement: TOP2B is on the minus strand). VCF-style: chr3-25607348-A-C. GRCh37 (hg19) VCF-style: chr3-25648839-A-C.
Other names: c.4106T>G, p.Phe1369Cys (NM_001068.3); short protein forms F1369C, F1374C.
Identifiers: ClinVar variation 3626997 (VCV003626997.2).